The following is an entry in ClinVar:

NM_003242.6(TGFBR2):c.638G>A (p.Ser213Asn)

Gene: TGFBR2 (transforming growth factor beta receptor 2; plus strand). Cytogenetic location: 3p24.1.
Variant type: single nucleotide variant.
Coding change: c.638G>A on transcript NM_003242.6 (MANE Select); coding-DNA position 638, G replaced by A.
Protein change: p.Ser213Asn; replaces serine 213 with asparagine.
Molecular consequence: missense variant. On other transcripts: intron variant (1).
Genome position (GRCh38, 1-based): chr3:30,671,821, G>A. VCF-style: chr3-30671821-G-A. GRCh37 (hg19) VCF-style: chr3-30713313-G-A.
Other names: c.713G>A, p.Ser238Asn (NM_001024847.3); c.821G>A, p.Ser274Asn (NM_001407126.1); c.746G>A, p.Ser249Asn (NM_001407127.1); c.665G>A, p.Ser222Asn (NM_001407128.1); c.641G>A, p.Ser214Asn (NM_001407129.1); c.638G>A, p.Ser213Asn (NM_001407130.1); c.533G>A, p.Ser178Asn (NM_001407132.1, NM_001407133.1, NM_001407136.1 and 2 more transcripts); c.530-16566G>A (NM_001407139.1); and 2 more; short protein forms S118N, S178N, S213N, S214N, S222N, S238N, S249N, S274N.
Identifiers: ClinVar variation 3071439 (VCV003071439.1), dbSNP rs1427971419, ClinGen allele CA351807540.

ClinVar aggregate classification (germline): Uncertain significance (1 of 4 stars; one submission).

Conditions:
Loeys-Dietz syndrome 2 (LDS2). Also called: TGFBR2-Related Loeys-Dietz Syndrome; AORTIC ANEURYSM, FAMILIAL THORACIC 3; MARFAN SYNDROME, TYPE II; Marfan syndrome, type 2 (formerly); Marfan Syndrome type 2; Marfan like connective tissue disorder. Identifiers: Orphanet 284973, Orphanet 558, MedGen C2674574, MONDO:0012427, OMIM 610168.

Submission:

All of Us Research Program, National Institutes of Health
Classification: Uncertain significance for Loeys-Dietz syndrome 2. Last evaluated: 2023-05-31. Review status: criteria provided, single submitter. Criteria: ACMG Guidelines, 2015. Collection method: clinical testing. Allele origin: germline. Inheritance: Autosomal dominant inheritance. Observed: 1 variant allele, 1 heterozygote.
Comment: This study involves interpretation of variants in research participants for the purpose of population health screening. Participant phenotype was not available at the time of variant classification. Additional details can be found in publication PMID: 35346344, PMCID: PMC8962531